The following is an entry in ClinVar:

NM_001256789.3(CACNA1F):c.5672T>C (p.Val1891Ala)

Gene: CACNA1F (calcium voltage-gated channel subunit alpha1 F; minus strand). Cytogenetic location: Xp11.23.
Variant type: single nucleotide variant.
Coding change: c.5672T>C on transcript NM_001256789.3 (MANE Select); coding-DNA position 5672, T replaced by C.
Protein change: p.Val1891Ala; replaces valine 1891 with alanine.
Molecular consequence: missense variant.
Genome position (GRCh38, 1-based): chrX:49,205,366, A>G on the plus strand (T>C on the coding strand, the complement: CACNA1F is on the minus strand). VCF-style: chrX-49205366-A-G. GRCh37 (hg19) VCF-style: chrX-49061826-A-G.
Other names: c.5510T>C, p.Val1837Ala (NM_001256790.3); c.5705T>C, p.Val1902Ala (NM_005183.4); short protein forms V1837A, V1891A, V1902A.
Identifiers: ClinVar variation 1910746 (VCV001910746.5), dbSNP rs148326355, ClinGen allele CA10409917.

ClinVar aggregate classification (germline): Uncertain significance (1 of 4 stars; one submission).

Allele frequency attached by ClinVar (database versions not stated): gnomAD exomes below 0.00001; gnomAD 0.00006; TOPMed 0.00010; ExAC 0.00015; ESP Exome Variant Server 0.00057.
gnomAD v4.1: 9 of 1,166,427 alleles (0.00077%); highest among the groups gnomAD compares: African/African-American, 0.016%; no homozygotes.

Submission:

Labcorp Genetics (formerly Invitae), Labcorp
Classification: Uncertain significance. Last evaluated: 2024-03-04. Review status: criteria provided, single submitter. Criteria: Invitae Variant Classification Sherloc (09022015). Collection method: clinical testing. Allele origin: germline.
Comment: This sequence change replaces valine, which is neutral and non-polar, with alanine, which is neutral and non-polar, at codon 1902 of the CACNA1F protein (p.Val1902Ala). This variant is present in population databases (rs148326355, gnomAD 0.05%). This variant has not been reported in the literature in individuals affected with CACNA1F-related conditions. ClinVar contains an entry for this variant (Variation ID: 1910746). An algorithm developed to predict the effect of missense changes on protein structure and function (PolyPhen-2) suggests that this variant is likely to be tolerated. In summary, the available evidence is currently insufficient to determine the role of this variant in disease. Therefore, it has been classified as a Variant of Uncertain Significance.